The following is an entry in ClinVar:

NM_000587.4(C7):c.692C>A (p.Ser231Tyr)

Gene: C7 (complement C7; plus strand). Cytogenetic location: 5p13.1.
Variant type: single nucleotide variant.
Coding change: c.692C>A on transcript NM_000587.4 (MANE Select); coding-DNA position 692, C replaced by A.
Protein change: p.Ser231Tyr; replaces serine 231 with tyrosine.
Molecular consequence: missense variant.
Genome position (GRCh38, 1-based): chr5:40,945,322, C>A. VCF-style: chr5-40945322-C-A. GRCh37 (hg19) VCF-style: chr5-40945424-C-A.
Other names: short protein forms S231Y.
Identifiers: ClinVar variation 1938362 (VCV001938362.3), dbSNP rs183261438, ClinGen allele CA359581822.

ClinVar aggregate classification (germline): Uncertain significance (1 of 4 stars; one submission).

gnomAD v4.1: 5 of 1,609,476 alleles (0.00031%); highest among the groups gnomAD compares: African/African-American, 0.0067%; no homozygotes.

Submission:

Labcorp Genetics (formerly Invitae), Labcorp
Classification: Uncertain significance. Last evaluated: 2022-06-19. Review status: criteria provided, single submitter. Criteria: Invitae Variant Classification Sherloc (09022015). Collection method: clinical testing. Allele origin: germline.
Comment: In summary, the available evidence is currently insufficient to determine the role of this variant in disease. Therefore, it has been classified as a Variant of Uncertain Significance. Algorithms developed to predict the effect of missense changes on protein structure and function (SIFT, PolyPhen-2, Align-GVGD) all suggest that this variant is likely to be tolerated. This variant has not been reported in the literature in individuals affected with C7-related conditions. This variant is not present in population databases (gnomAD no frequency). This sequence change replaces serine, which is neutral and polar, with tyrosine, which is neutral and polar, at codon 231 of the C7 protein (p.Ser231Tyr).